The following is an entry in ClinVar:

ClinVar aggregate classification (germline): Uncertain significance (1 of 4 stars; one submission).

Conditions:
Hereditary cancer-predisposing syndrome. Also called: Hereditary neoplastic syndrome; Neoplastic Syndromes, Hereditary; Tumor predisposition; Hereditary Cancer Syndrome. Identifiers: Orphanet 140162, MedGen C0027672, MeSH D009386, MONDO:0015356.

Submission:

Ambry Genetics
Classification: Uncertain significance for Hereditary cancer-predisposing syndrome. Last evaluated: 2025-02-04. Review status: criteria provided, single submitter. Criteria: Ambry Variant Classification Scheme 2023. Collection method: clinical testing. Allele origin: germline.
Comment: The p.S648R variant (also known as c.1942A>C), located in coding exon 7 of the BLM gene, results from an A to C substitution at nucleotide position 1942. The serine at codon 648 is replaced by arginine, an amino acid with dissimilar properties. This amino acid position is conserved. In addition, this alteration is predicted to be tolerated by in silico analysis. Based on the available evidence, the clinical significance of this variant remains unclear.

NM_000057.4(BLM):c.1942A>C (p.Ser648Arg)

Gene: BLM (BLM RecQ like helicase; plus strand). Cytogenetic location: 15q26.1.
Variant type: single nucleotide variant.
Coding change: c.1942A>C on transcript NM_000057.4 (MANE Select); coding-DNA position 1942, A replaced by C.
Protein change: p.Ser648Arg; replaces serine 648 with arginine.
Molecular consequence: missense variant.
Genome position (GRCh38, 1-based): chr15:90,763,025, A>C. VCF-style: chr15-90763025-A-C. GRCh37 (hg19) VCF-style: chr15-91306255-A-C.
Other names: c.1942A>C, p.Ser648Arg (NM_001287246.2, NM_001287247.2); c.817A>C, p.Ser273Arg (NM_001287248.2); short protein forms S273R, S648R.
Identifiers: ClinVar variation 3824464 (VCV003824464.1).